The following is an entry in ClinVar:

NC_000001.10:g.(?_213058615)_(213058758_?)del

Gene: FLVCR1 (FLVCR choline and heme transporter 1; plus strand). Cytogenetic location: 1q32.3.
Variant type: Deletion.
Identifiers: ClinVar variation 1069681 (VCV001069681.7).

ClinVar aggregate classification (germline): Pathogenic (1 of 4 stars; one submission).

Submission:

Labcorp Genetics (formerly Invitae), Labcorp
Classification: Pathogenic. Last evaluated: 2022-11-07. Review status: criteria provided, single submitter. Criteria: Invitae Variant Classification Sherloc (09022015). Collection method: clinical testing. Allele origin: germline.
Comment: For these reasons, this variant has been classified as Pathogenic. This variant has not been reported in the literature in individuals affected with FLVCR1-related conditions. This variant is a gross deletion of the genomic region encompassing exon(s) 5 of the FLVCR1 gene. This deletion is out-of-frame, and is expected to create a premature termination codon and result in an absent or disrupted protein product. Loss-of-function variants in FLVCR1 are known to be pathogenic (PMID: 23591405, 27923065).

Literature cited by the submitters: PubMed 23591405; PubMed 27923065.